The following continues an entry in ClinVar:

NM_007294.4(BRCA1):c.3929C>A (p.Thr1310Lys)

ClinVar aggregate classification (germline): Conflicting classifications of pathogenicity. Uncertain significance (5); Benign (2); Likely benign (6).

Submissions 12 to 17 of 17:

Ambry Genetics
Classification: Likely benign for Hereditary cancer-predisposing syndrome. Last evaluated: 2021-08-16. Review status: criteria provided, single submitter. Criteria: Ambry Variant Classification Scheme 2023. Collection method: clinical testing. Allele origin: germline.

Women's Health and Genetics/Laboratory Corporation of America, LabCorp
Classification: Uncertain significance. Last evaluated: 2020-08-14. Review status: criteria provided, single submitter. Criteria: LabCorp Variant Classification Summary - May 2015. Collection method: clinical testing. Allele origin: germline.
Comment: Variant summary: BRCA1 c.3929C>A (p.Thr1310Lys) results in a non-conservative amino acid change located in the SC (SQ/TQ cluster) domain that contains several potential ATM phosphorylation sites (PMID: 22193408). Three of five in-silico tools predict a damaging effect of the variant on protein function. The variant allele was found at a frequency of 0.00014 in 394484 control chromosomes, predominantly at a frequency of 0.0011 within the Latino subpopulation (i.e. 51/48248 alleles) in the gnomAD database (v2.1 exomes dataset and v3 genomes dataset), including 1 homozygote. The observed variant frequency within Latino control individuals in the gnomAD database is approximately 1.1-fold of the estimated maximal expected allele frequency for a pathogenic variant in BRCA1 causing Hereditary Breast and Ovarian Cancer Syndrome phenotype (0.001), suggesting that the variant could be a benign polymorphism found primarily in populations of Latino origin. To our knowledge, the variant, c.3929C>A, has been reported in the literature in at least two individuals, who were affected with breast- and pancreatic carcinoma (Spearman_2008, Lovecek_2019). These reports however, do not provide unequivocal conclusions about association of the variant with Hereditary Breast and Ovarian Cancer Syndrome. To our knowledge, no experimental evidence demonstrating an impact on protein function has been reported. Seven other clinical diagnostic laboratories have submitted clinical-significance assessments for this variant to ClinVar after 2014 without evidence for independent evaluation, and six of them classified the variant as VUS, while one called it likely benign. Based on the evidence outlined above, the variant was classified as VUS-possibly benign.

Counsyl
Classification: Uncertain significance for Breast-ovarian cancer, familial, susceptibility to, 1. Last evaluated: 2018-05-22. Review status: no assertion criteria provided. Collection method: clinical testing. Allele origin: unknown. Not counted in ClinVar's aggregate classification.

Sharing Clinical Reports Project (SCRP)
Classification: Benign for Breast-ovarian cancer, familial 1. Last evaluated: 2012-05-01. Review status: no assertion criteria provided. Collection method: clinical testing. Allele origin: germline. Not counted in ClinVar's aggregate classification.

Breast Cancer Information Core (BIC) (BRCA1)
Classification: Uncertain significance for Breast-ovarian cancer, familial 1. Last evaluated: 2002-06-20. Review status: no assertion criteria provided. Collection method: clinical testing. Allele origin: germline. Affected: yes. Observed: 2 variant alleles. Not counted in ClinVar's aggregate classification.

Department of Pathology and Laboratory Medicine, Sinai Health System
Classification: Uncertain significance. Review status: no assertion criteria provided. Collection method: clinical testing. Allele origin: unknown. Affected: yes. Observed: 1 variant allele. Study: The Canadian Open Genetics Repository (COGR). Not counted in ClinVar's aggregate classification.

Literature cited by the submitters: PubMed 18824701 (cited by 4 submitters); PubMed 28717660 (cited by 3 submitters); PubMed 25348012 (cited by Quest Diagnostics Nichols Institute San Juan Capistrano); PubMed 30666157 (cited by 5 submitters); PubMed 33471991 (cited by 4 submitters); PubMed 31911673 (cited by Quest Diagnostics Nichols Institute San Juan Capistrano); PubMed 31131967 (cited by 3 submitters); PubMed 35980532 (cited by Quest Diagnostics Nichols Institute San Juan Capistrano); PubMed 39565531 (cited by Quest Diagnostics Nichols Institute San Juan Capistrano); PubMed 15385441 (cited by Women's Health and Genetics/Laboratory Corporation of America, LabCorp and Counsyl).